The following is an entry in ClinVar:

NM_001204.7(BMPR2):c.2622G>C (p.Glu874Asp)

Gene: BMPR2 (bone morphogenetic protein receptor type 2; plus strand). Cytogenetic location: 2q33.2.
Variant type: single nucleotide variant.
Coding change: c.2622G>C on transcript NM_001204.7 (MANE Select); coding-DNA position 2622, G replaced by C.
Protein change: p.Glu874Asp; replaces glutamic acid 874 with aspartic acid.
Molecular consequence: missense variant.
Genome position (GRCh38, 1-based): chr2:202,556,287, G>C. VCF-style: chr2-202556287-G-C. GRCh37 (hg19) VCF-style: chr2-203421010-G-C.
Other names: short protein forms E874D.
Identifiers: ClinVar variation 3992094 (VCV003992094.1).

ClinVar aggregate classification (germline): Uncertain significance (1 of 4 stars; one submission).

Conditions:
Inborn genetic diseases. Identifiers: MedGen C0950123, MeSH D030342.

gnomAD v4.1: 1 of 1,614,108 alleles (0.000062%); highest among the groups gnomAD compares: African/African-American, 0.0013%; no homozygotes.

Submission:

Ambry Genetics
Classification: Uncertain significance for Inborn genetic diseases. Last evaluated: 2025-04-04. Review status: criteria provided, single submitter. Criteria: Ambry Variant Classification Scheme 2023. Collection method: clinical testing. Allele origin: germline.
Comment: The p.E874D variant (also known as c.2622G>C), located in coding exon 12 of the BMPR2 gene, results from a G to C substitution at nucleotide position 2622. The glutamic acid at codon 874 is replaced by aspartic acid, an amino acid with highly similar properties. This amino acid position is conserved. In addition, the in silico prediction for this alteration is inconclusive. Based on the available evidence, the clinical significance of this variant remains unclear.